The following is an entry in ClinVar:

ClinVar aggregate classification (germline): Uncertain significance (1 of 4 stars; one submission).

Submission:

Labcorp Genetics (formerly Invitae), Labcorp
Classification: Uncertain significance. Last evaluated: 2025-12-03. Review status: criteria provided, single submitter. Criteria: Invitae Variant Classification Sherloc (09022015). Collection method: clinical testing. Allele origin: germline.
Comment: This sequence change replaces isoleucine, which is neutral and non-polar, with methionine, which is neutral and non-polar, at codon 1012 of the DSG1 protein (p.Ile1012Met). This variant is not present in population databases (gnomAD no frequency). This variant has not been reported in the literature in individuals affected with DSG1-related conditions. An algorithm developed to predict the effect of missense changes on protein structure and function (PolyPhen-2) suggests that this variant is likely to be disruptive. In summary, the available evidence is currently insufficient to determine the role of this variant in disease. Therefore, it has been classified as a Variant of Uncertain Significance.

NM_001942.4(DSG1):c.3036T>G (p.Ile1012Met)

Genes: DSG1 (desmoglein 1; plus strand), DSG1-AS1 (DSG1 antisense RNA 1; minus strand). Cytogenetic location: 18q12.1.
Variant type: single nucleotide variant.
Coding change: c.3036T>G on transcript NM_001942.4 (MANE Select); coding-DNA position 3036, T replaced by G.
Protein change: p.Ile1012Met; replaces isoleucine 1012 with methionine.
Molecular consequence: missense variant.
Genome position (GRCh38, 1-based): chr18:31,355,232, T>G. VCF-style: chr18-31355232-T-G. GRCh37 (hg19) VCF-style: chr18-28935195-T-G.
Other names: short protein forms I1012M.
Identifiers: ClinVar variation 4763962 (VCV004763962.1).